The following is an entry in ClinVar:

ClinVar aggregate classification (germline): Benign/Likely benign. Review status: criteria provided, multiple submitters, no conflicts (2 of 4 stars). 4 submissions from 4 submitters: Benign (2); Likely benign (1). 1 of the submissions does not count toward it. Last evaluated 2026-01-31.

Conditions:
C1QBP-related disorder. Also called: C1QBP-related condition.

Allele frequency attached by ClinVar (database versions not stated): 1000 Genomes Project 30x 0.00640; 1000 Genomes Project 0.00679; TOPMed 0.01104; gnomAD 0.01284 and 0.01318; ESP Exome Variant Server 0.01353; ExAC 0.01444.
gnomAD v4.1: 27,277 of 1,613,500 alleles (1.7%); highest among the groups gnomAD compares: Middle Eastern, 3.5%; 310 homozygotes.

Submissions (4):

Labcorp Genetics (formerly Invitae), Labcorp
Classification: Benign. Last evaluated: 2026-01-31. Review status: criteria provided, single submitter. Criteria: Invitae Variant Classification Sherloc (09022015). Collection method: clinical testing. Allele origin: germline.

Blueprint Genetics
Classification: Likely benign. Last evaluated: 2024-11-27. Review status: criteria provided, single submitter. Criteria: ACMG Guidelines, 2015. Collection method: clinical testing. Allele origin: germline.

Breakthrough Genomics
Classification: Benign. Review status: criteria provided, single submitter. Criteria: ACMG Guidelines, 2015. Collection method: not provided. Allele origin: germline. Inheritance: Autosomal recessive inheritance. Affected: yes.

PreventionGenetics, part of Exact Sciences
Classification: Benign for C1QBP-related condition. Last evaluated: 2019-11-11. Review status: no assertion criteria provided. Collection method: clinical testing. Allele origin: germline. Not counted in ClinVar's aggregate classification.
Comment: This variant is classified as benign based on ACMG/AMP sequence variant interpretation guidelines (Richards et al. 2015 PMID: 25741868, with internal and published modifications).

NM_001212.4(C1QBP):c.389C>T (p.Thr130Met)

Gene: C1QBP (complement C1q binding protein; minus strand). Cytogenetic location: 17p13.2.
Variant type: single nucleotide variant.
Coding change: c.389C>T on transcript NM_001212.4 (MANE Select); coding-DNA position 389, C replaced by T.
Protein change: p.Thr130Met; replaces threonine 130 with methionine.
Molecular consequence: missense variant.
Genome position (GRCh38, 1-based): chr17:5,434,961, G>A on the plus strand (C>T on the coding strand, the complement: C1QBP is on the minus strand). VCF-style: chr17-5434961-G-A. GRCh37 (hg19) VCF-style: chr17-5338281-G-A.
Other names: c.389C>T (NM_001212.3); short protein forms T130M.
Identifiers: ClinVar variation 1556932 (VCV001556932.12), dbSNP rs56014026, ClinGen allele CA8325294.
Genomic context (GRCh38, chr17:5,434,961, plus strand): 5'-GAGGGTTCCTCCTCACCATCAAATGTTGGTGGGATGCTGTTGTTAATGTTGAAAGTGACC[G>A]TGATTCTAAAACGGCAAGGGAAAACAGACAAGGCAAAACAGACAAGGCATGGTTTTAACC-3'
Protein context (NP_001203.1, residues 120-140): LVRKVAGEKI[Thr130Met]VTFNINNSIP